The following is an entry in ClinVar:

NM_018979.4(WNK1):c.5510-2A>T

Gene: WNK1 (WNK lysine deficient protein kinase 1; plus strand). Cytogenetic location: 12p13.33.
Variant type: single nucleotide variant.
Coding change: c.5510-2A>T on transcript NM_018979.4 (MANE Select); the canonical splice acceptor site of the intron before coding-DNA position 5510, A replaced by T.
Molecular consequence: splice acceptor variant.
Genome position (GRCh38, 1-based): chr12:894,560, A>T. VCF-style: chr12-894560-A-T. GRCh37 (hg19) VCF-style: chr12-1003726-A-T.
Other names: c.6266-2A>T (NM_213655.5); c.6290-2A>T (NM_001184985.2); c.4766-2A>T (NM_014823.3).
Identifiers: ClinVar variation 4789034 (VCV004789034.1).

ClinVar aggregate classification (germline): Likely pathogenic (1 of 4 stars; one submission).

Conditions:
Neuropathy, hereditary sensory and autonomic, type 2A (HSAN2A). Also called: WNK1-Related HSAN2 (HSAN2A); ACROOSTEOLYSIS, GIACCAI TYPE; ACROOSTEOLYSIS, NEUROGENIC; MORVAN DISEASE; NEUROPATHY, CONGENITAL SENSORY; NEUROPATHY, HEREDITARY SENSORY RADICULAR, AUTOSOMAL RECESSIVE. Identifiers: Orphanet 970, MedGen C2752089, MONDO:0024309, OMIM 201300.
Pseudohypoaldosteronism type 2C (PHA2C). Also called: Pseudohypoaldosteronism Type IIC. Identifiers: Orphanet 757, Orphanet 88940, MedGen C1840391, MONDO:0013778, OMIM 614492.

gnomAD v4.1: 12 of 1,613,548 alleles (0.00074%); highest among the groups gnomAD compares: South Asian, 0.013%; no homozygotes.

Submission:

Labcorp Genetics (formerly Invitae), Labcorp
Classification: Likely pathogenic for Neuropathy, hereditary sensory and autonomic, type 2A; Pseudohypoaldosteronism type 2C. Last evaluated: 2025-12-15. Review status: criteria provided, single submitter. Criteria: Invitae Variant Classification Sherloc (09022015). Collection method: clinical testing. Allele origin: germline.
Comment: This sequence change affects an acceptor splice site in intron 22 of the WNK1 gene. It is expected to disrupt RNA splicing. Variants that disrupt the donor or acceptor splice site typically lead to a loss of protein function (PMID: 16199547), and loss-of-function variants in WNK1 are known to be pathogenic (PMID: 22910560). This variant is present in population databases (rs776181704, gnomAD 0.006%). This variant has not been reported in the literature in individuals affected with WNK1-related conditions. Algorithms developed to predict the effect of sequence changes on RNA splicing suggest that this variant may disrupt the consensus splice site. In summary, the currently available evidence indicates that the variant is pathogenic, but additional data are needed to prove that conclusively. Therefore, this variant has been classified as Likely Pathogenic.

Literature cited by the submitters: PubMed 16199547; PubMed 22910560.